The following is an entry in ClinVar:

ClinVar aggregate classification (germline): Uncertain significance (1 of 4 stars; one submission).

gnomAD v4.1: 1 of 1,614,040 alleles (0.000062%); highest among the groups gnomAD compares: Non-Finnish European, 0.000085%; no homozygotes.

Submission:

GeneDx
Classification: Uncertain significance. Last evaluated: 2025-12-01. Review status: criteria provided, single submitter. Criteria: GeneDx Variant Classification Process June 2021. Collection method: clinical testing. Allele origin: germline.
Comment: Not observed at significant frequency in large population cohorts (gnomAD); In silico analysis supports that this missense variant has a deleterious effect on protein structure/function; Has not been previously published as pathogenic or benign to our knowledge

NM_170606.3(KMT2C):c.6388C>T (p.Pro2130Ser)

Gene: KMT2C (lysine methyltransferase 2C; minus strand). Cytogenetic location: 7q36.1.
Variant type: single nucleotide variant.
Coding change: c.6388C>T on transcript NM_170606.3 (MANE Select); coding-DNA position 6388, C replaced by T.
Protein change: p.Pro2130Ser; replaces proline 2130 with serine.
Molecular consequence: missense variant.
Genome position (GRCh38, 1-based): chr7:152,181,472, G>A on the plus strand (C>T on the coding strand, the complement: KMT2C is on the minus strand). VCF-style: chr7-152181472-G-A. GRCh37 (hg19) VCF-style: chr7-151878557-G-A.
Other names: short protein forms P2130S.
Identifiers: ClinVar variation 2663012 (VCV002663012.2), dbSNP rs1023755746, ClinGen allele CA370093716.